The following is an entry in ClinVar:

ClinVar aggregate classification (germline): Uncertain significance (1 of 4 stars; one submission).

Submission:

GeneDx
Classification: Uncertain significance. Last evaluated: 2021-02-11. Review status: criteria provided, single submitter. Criteria: GeneDx Variant Classification Process June 2021. Collection method: clinical testing. Allele origin: germline. Affected: yes.
Comment: Not observed in large population cohorts (Lek et al., 2016); In-frame deletion of 2 amino acids in a non-repeat region; In silico analysis supports a deleterious effect on protein structure/function; Has not been previously published as pathogenic or benign to our knowledge

NM_152703.5(SAMD9L):c.726_731del (p.Asp243_Lys244del)

Gene: SAMD9L (sterile alpha motif domain containing 9 like; minus strand). Cytogenetic location: 7q21.2.
Variant type: Deletion.
Coding change: c.726_731del on transcript NM_152703.5 (MANE Select); coding-DNA positions 726 to 731, 6 bases deleted (GGACAA; older notation c.726_731delGGACAA).
Protein change: p.Asp243_Lys244del.
Molecular consequence: inframe deletion.
Genome position (GRCh38, 1-based): chr7:93,135,241-93,135,246, TTGTCC deleted on the plus strand (GGACAA on the coding strand, the reverse complement: SAMD9L is on the minus strand); deleting any 6 consecutive bases within chr7:93,135,241-93,135,249 gives the same sequence; the c. name uses the placement nearest the transcript's 3' end. VCF-style (leftmost placement, unchanged base first): chr7-93135240-TTTGTCC-T. GRCh37 (hg19) VCF-style: chr7-92764553-TTTGTCC-T.
Other names: c.726_731del, p.Asp243_Lys244del (NM_001303496.3, NM_001303497.3, NM_001303498.3 and 5 more transcripts).
Identifiers: ClinVar variation 1318464 (VCV001318464.2), dbSNP rs2116502525, ClinGen allele CA2573052933.